The following is an entry in ClinVar:

ClinVar aggregate classification (germline): Uncertain significance (1 of 4 stars; one submission).

Conditions:
Inborn genetic diseases. Identifiers: MedGen C0950123, MeSH D030342.

Submission:

Ambry Genetics
Classification: Uncertain significance for Inborn genetic diseases. Last evaluated: 2020-07-15. Review status: criteria provided, single submitter. Criteria: Ambry Variant Classification Scheme 2023. Collection method: clinical testing. Allele origin: germline.
Comment: The p.G228S variant (also known as c.682G>A), located in coding exon 1 of the RAI1 gene, results from a G to A substitution at nucleotide position 682. The glycine at codon 228 is replaced by serine, an amino acid with similar properties. This amino acid position is not well conserved in available vertebrate species, and serine is the reference amino acid in other vertebrate species. In addition, this alteration is predicted to be tolerated by in silico analysis. Since supporting evidence is limited at this time, the clinical significance of this alteration remains unclear.

NM_030665.4(RAI1):c.682G>A (p.Gly228Ser)

Gene: RAI1 (retinoic acid induced 1; plus strand). Cytogenetic location: 17p11.2.
Variant type: single nucleotide variant.
Coding change: c.682G>A on transcript NM_030665.4 (MANE Select); coding-DNA position 682, G replaced by A.
Protein change: p.Gly228Ser; replaces glycine 228 with serine.
Molecular consequence: missense variant.
Genome position (GRCh38, 1-based): chr17:17,793,630, G>A. VCF-style: chr17-17793630-G-A. GRCh37 (hg19) VCF-style: chr17-17696944-G-A.
Other names: short protein forms G228S.
Identifiers: ClinVar variation 1755676 (VCV001755676.2), dbSNP rs2508570417, ClinGen allele CA398545988.